The following is an entry in ClinVar:

ClinVar aggregate classification (germline): Likely benign (1 of 4 stars; one submission).

Submission:

GeneDx
Classification: Likely benign. Last evaluated: 2018-05-25. Review status: criteria provided, single submitter. Criteria: GeneDx Variant Classification (06012015). Collection method: clinical testing. Allele origin: germline. Affected: yes.
Comment: This variant is considered likely benign or benign based on one or more of the following criteria: it is a conservative change, it occurs at a poorly conserved position in the protein, it is predicted to be benign by multiple in silico algorithms, and/or has population frequency not consistent with disease.

NM_001031.5(RPS28):c.87+6C>T

Gene: RPS28 (ribosomal protein S28; plus strand). Cytogenetic location: 19p13.2.
Variant type: single nucleotide variant.
Coding change: c.87+6C>T on transcript NM_001031.5 (MANE Select); 6 bases into the intron after coding-DNA position 87, C replaced by T.
Molecular consequence: intron variant.
Genome position (GRCh38, 1-based): chr19:8,321,709, C>T. VCF-style: chr19-8321709-C-T. GRCh37 (hg19) VCF-style: chr19-8386593-C-T.
Identifiers: ClinVar variation 668538 (VCV000668538.1), dbSNP rs1228582912, ClinGen allele CA915951618.
Genomic context (GRCh38, chr19:8,321,709, plus strand): 5'-CCTCCAGGTCACCAAGGTCCTGGGCAGGACCGGTTCTCAGGGACAGTGCACGCAGGTAAT[C>T]GGGTGGGGGCATTTGGCCGACTGCCGGCGACCTAAACCCTGATGTGACCTCTACCCTGCC-3'